The following is an entry in ClinVar:

ClinVar aggregate classification (germline): Conflicting classifications of pathogenicity. Review status: criteria provided, conflicting classifications (1 of 4 stars). 8 submissions from 8 submitters: Uncertain significance (1); Benign (3); Likely benign (4). Last evaluated 2026-01-08.

Conditions:
Hereditary cancer-predisposing syndrome. Also called: Hereditary Cancer Syndrome; Neoplastic Syndromes, Hereditary; Tumor predisposition; Hereditary neoplastic syndrome. Identifiers: Orphanet 140162, MedGen C0027672, MeSH D009386, MONDO:0015356.
Tuberous sclerosis syndrome (TSC). Also called: Tuberous sclerosis; Tuberous Sclerosis Complex. Identifiers: Orphanet 805, MedGen C0041341, MONDO:0001734.
Tuberous sclerosis 2 (TSC2). Identifiers: Orphanet 805, MedGen C1860707, MONDO:0013199, OMIM 613254.

Allele frequency attached by ClinVar (database versions not stated): gnomAD 0.00001 and 0.00002; TOPMed 0.00001; gnomAD exomes 0.00005; ExAC 0.00006.
gnomAD v4.1: 101 of 1,612,414 alleles (0.0063%); highest among the groups gnomAD compares: East Asian, 0.12%; no homozygotes.

Submissions (8):

Labcorp Genetics (formerly Invitae), Labcorp
Classification: Benign for Tuberous sclerosis 2. Last evaluated: 2026-01-08. Review status: criteria provided, single submitter. Criteria: Invitae Variant Classification Sherloc (09022015). Collection method: clinical testing. Allele origin: germline.

Myriad Genetics, Inc.
Classification: Benign for Tuberous sclerosis 2. Last evaluated: 2025-06-02. Review status: criteria provided, single submitter. Criteria: Myriad Autosomal Dominant, Autosomal Recessive and X-Linked Classification Criteria (2023). Collection method: clinical testing. Allele origin: unknown.
Comment: This variant is considered benign. This variant is a silent/synonymous amino acid change and it is not expected to impact splicing.

Color Diagnostics, LLC DBA Color Health
Classification: Benign for Tuberous sclerosis syndrome. Last evaluated: 2022-10-06. Review status: criteria provided, single submitter. Criteria: ACMG Guidelines, 2015. Collection method: clinical testing. Allele origin: germline.

Genome-Nilou Lab
Classification: Likely benign for Tuberous sclerosis 2. Last evaluated: 2021-11-07. Review status: criteria provided, single submitter. Criteria: ACMG Guidelines, 2015. Collection method: clinical testing. Allele origin: germline. Affected: no.

Division of Genomic Medicine, Department of Advanced Medicine, Medical Research Institute, Kanazawa Medical University
Classification: Likely benign for Tuberous sclerosis 2. Last evaluated: 2020-07-10. Review status: criteria provided, single submitter. Criteria: ACMG Guidelines, 2015. Collection method: clinical testing. Allele origin: germline. Affected: yes. Observed: 1 variant allele.

GeneDx
Classification: Likely benign. Last evaluated: 2018-01-29. Review status: criteria provided, single submitter. Criteria: GeneDx Variant Classification (06012015). Collection method: clinical testing. Allele origin: germline. Affected: yes.
Comment: This variant is considered likely benign or benign based on one or more of the following criteria: it is a conservative change, it occurs at a poorly conserved position in the protein, it is predicted to be benign by multiple in silico algorithms, and/or has population frequency not consistent with disease.

Illumina Laboratory Services, Illumina
Classification: Uncertain significance for Tuberous sclerosis syndrome. Last evaluated: 2018-01-15. Review status: criteria provided, single submitter. Criteria: ICSL Variant Classification Criteria 13 December 2019. Collection method: clinical testing. Allele origin: germline.

Ambry Genetics
Classification: Likely benign for Hereditary cancer-predisposing syndrome. Last evaluated: 2015-02-10. Review status: criteria provided, single submitter. Criteria: Ambry Variant Classification Scheme 2023. Collection method: clinical testing. Allele origin: germline.

NM_000548.5(TSC2):c.4137G>A (p.Ser1379=)

Gene: TSC2 (TSC complex subunit 2; plus strand). Cytogenetic location: 16p13.3.
Variant type: single nucleotide variant.
Coding change: c.4137G>A on transcript NM_000548.5 (MANE Select); coding-DNA position 4137, G replaced by A.
Protein change: p.Ser1379=; no amino-acid change (serine 1379 retained).
Molecular consequence: synonymous variant.
Genome position (GRCh38, 1-based): chr16:2,084,359, G>A. VCF-style: chr16-2084359-G-A. GRCh37 (hg19) VCF-style: chr16-2134360-G-A.
Other names: c.3936G>A, p.Ser1312= (NM_001077183.3); c.4068G>A, p.Ser1356= (NM_001114382.3); c.3828G>A, p.Ser1276= (NM_001318827.2); c.3792G>A, p.Ser1264= (NM_001318829.2); c.3405G>A, p.Ser1135= (NM_001318831.2); c.3969G>A, p.Ser1323= (NM_001318832.2); c.3939G>A, p.Ser1313= (NM_001363528.2); c.4005G>A, p.Ser1335= (NM_001370404.1); and 1 more.
Identifiers: ClinVar variation 230390 (VCV000230390.25), dbSNP rs769653533, ClinGen allele CA050539.